The following is an entry in ClinVar:

ClinVar aggregate classification (germline): Likely benign (1 of 4 stars; one submission).

gnomAD v4.1: 696 of 1,602,156 alleles (0.043%); highest among the groups gnomAD compares: South Asian, 0.68%; 3 homozygotes.

Submission:

CeGaT Center for Human Genetics Tuebingen
Classification: Likely benign. Last evaluated: 2025-08-01. Review status: criteria provided, single submitter. Criteria: CeGaT Center For Human Genetics Tuebingen Variant Classification Criteria Version 2. Collection method: clinical testing. Allele origin: germline. Affected: yes. Observed: 1 variant allele.
Comment: PCDHGA9: BP4, BP7

NM_018921.3(PCDHGA9):c.2424G>A (p.Pro808=)

Genes: PCDHG@ (protocadherin gamma cluster; plus strand), PCDHGA1 (protocadherin gamma subfamily A, 1; plus strand), PCDHGA2 (protocadherin gamma subfamily A, 2; plus strand), PCDHGA3 (protocadherin gamma subfamily A, 3; plus strand), PCDHGA4 (protocadherin gamma subfamily A, 4; plus strand) and 10 more. Cytogenetic location: 5q31.3.
Variant type: single nucleotide variant.
Coding change: c.2424G>A on transcript NM_018921.3 (MANE Select); coding-DNA position 2424, G replaced by A.
Protein change: p.Pro808=; no amino-acid change (proline 808 retained).
Molecular consequence: synonymous variant. On other transcripts: intron variant (13).
Genome position (GRCh38, 1-based): chr5:141,405,376, G>A. VCF-style: chr5-141405376-G-A. GRCh37 (hg19) VCF-style: chr5-140784943-G-A.
Other names: c.2424G>A, p.Pro808= (NM_032089.2); c.2421+72271G>A (NM_018912.3); c.2424+63981G>A (NM_018915.4); c.2424+58919G>A (NM_018916.4); c.2409+52707G>A (NM_018922.3); c.2514+47755G>A (NM_018917.4); c.2421+42820G>A (NM_018923.3); c.2421+38625G>A (NM_018918.3); and 6 more.
Identifiers: ClinVar variation 4280831 (VCV004280831.7).
Genomic context (GRCh38, chr5:141,405,376, plus strand): 5'-TGAGCCTTTGTGCGTCTCTGTTGATTCCAAGTTTCCTATAGAAGACACCCCTTTGGTTCC[G>A]GTGAGTTCATTTTTTTTCTTTCTTTCTTTTCTTTTTTTGTTTTTTGTTTTGTTTTGTTTT-3'
Protein context (NP_061744.1, residues 798-818): KFPIEDTPLV[Pro808=]QAPPNTDWRF